The following is an entry in ClinVar:

ClinVar aggregate classification (germline): Uncertain significance (1 of 4 stars; one submission).

gnomAD v4.1: 14 of 1,613,748 alleles (0.00087%); highest among the groups gnomAD compares: African/African-American, 0.0013%; no homozygotes.

Submission:

Labcorp Genetics (formerly Invitae), Labcorp
Classification: Uncertain significance. Last evaluated: 2025-06-20. Review status: criteria provided, single submitter. Criteria: Invitae Variant Classification Sherloc (09022015). Collection method: clinical testing. Allele origin: germline.
Comment: This sequence change falls in intron 8 of the HGF gene. It does not directly change the encoded amino acid sequence of the HGF protein. This variant is present in population databases (rs377520824, gnomAD 0.007%). This variant has not been reported in the literature in individuals affected with HGF-related conditions. Algorithms developed to predict the effect of sequence changes on RNA splicing suggest that this variant may disrupt the consensus splice site. In summary, the available evidence is currently insufficient to determine the role of this variant in disease. Therefore, it has been classified as a Variant of Uncertain Significance.

NM_000601.6(HGF):c.1041-4A>G

Gene: HGF (hepatocyte growth factor; minus strand). Cytogenetic location: 7q21.11.
Variant type: single nucleotide variant.
Coding change: c.1041-4A>G on transcript NM_000601.6 (MANE Select); 4 bases into the intron before coding-DNA position 1041, A replaced by G.
Molecular consequence: intron variant.
Genome position (GRCh38, 1-based): chr7:81,726,021, T>C on the plus strand (A>G on the coding strand, the complement: HGF is on the minus strand). VCF-style: chr7-81726021-T-C. GRCh37 (hg19) VCF-style: chr7-81355337-T-C.
Other names: c.1026-4A>G (NM_001010932.3).
Identifiers: ClinVar variation 4694946 (VCV004694946.1).